The following is an entry in ClinVar:

NM_001173464.2(KIF21A):c.4747del (p.His1583fs)

Gene: KIF21A (kinesin family member 21A; minus strand). Cytogenetic location: 12q12.
Variant type: Deletion.
Coding change: c.4747del on transcript NM_001173464.2 (MANE Select); coding-DNA position 4747, one base deleted (C; older notation c.4747delC).
Protein change: p.His1583fs; shifts the reading frame from histidine 1583.
Molecular consequence: frameshift variant.
Genome position (GRCh38, 1-based): chr12:39,301,664, G deleted on the plus strand (C on the coding strand, the reverse complement: KIF21A is on the minus strand). VCF-style (leftmost placement, unchanged base first): chr12-39301663-TG-T. GRCh37 (hg19) VCF-style: chr12-39695465-TG-T.
Other names: c.4636del, p.His1546fs (NM_001173463.2); c.4588del, p.His1530fs (NM_001173465.2); c.4750del, p.His1584fs (NM_001378439.1); c.4735del, p.His1579fs (NM_001378440.1); c.4711del, p.His1571fs (NM_001378441.1); c.4708del, p.His1570fs (NM_017641.4); short protein forms H1530fs, H1546fs, H1570fs, H1571fs, H1579fs, H1583fs, H1584fs.
Identifiers: ClinVar variation 4883908 (VCV004883908.2).

ClinVar aggregate classification (germline): Uncertain significance (1 of 4 stars; one submission).

Conditions:
KIF21A-related fibrosis of extraocular muscles, congenital 3B.

Submission:

Dasa
Classification: Uncertain significance for KIF21A-related fibrosis of extraocular muscles, congenital 3B. Last evaluated: 2025-09-11. Review status: criteria provided, single submitter. Criteria: DASA Assertion Criteria. Collection method: clinical testing. Allele origin: germline.
Comment: NM_001173464.2(KIF21A):c.4747del (p.His1583Ilefs*26) is a frameshift variant in KIF21A predicted to alter the reading frame and introduce a premature termination codon. This variant is absent from population databases. The currently available literature and clinical evidence are not sufficient to establish a definitive association between this variant and the reported condition. Therefore, this variant is classified as a variant of uncertain significance.